The following is an entry in ClinVar:

ClinVar aggregate classification (germline): Uncertain significance (1 of 4 stars; one submission).

Conditions:
Cardiovascular phenotype. Identifiers: MedGen CN230736.

Allele frequency attached by ClinVar (database versions not stated): TOPMed below 0.00001; ESP Exome Variant Server 0.00008.
gnomAD v4.1: 1 of 1,605,620 alleles (0.000062%); highest among the groups gnomAD compares: Non-Finnish European, 0.000085%; no homozygotes.

Submission:

Ambry Genetics
Classification: Uncertain significance for Cardiovascular phenotype. Last evaluated: 2023-01-21. Review status: criteria provided, single submitter. Criteria: Ambry Variant Classification Scheme 2023. Collection method: clinical testing. Allele origin: germline.
Comment: The p.S1183C variant (also known as c.3547A>T), located in coding exon 24 of the TRPM4 gene, results from an A to T substitution at nucleotide position 3547. The serine at codon 1183 is replaced by cysteine, an amino acid with dissimilar properties. This amino acid position is conserved. In addition, this alteration is predicted to be tolerated by in silico analysis. Since supporting evidence is limited at this time, the clinical significance of this alteration remains unclear.

NM_017636.4(TRPM4):c.3547A>T (p.Ser1183Cys)

Gene: TRPM4 (transient receptor potential cation channel subfamily M member 4; plus strand). Cytogenetic location: 19q13.33.
Variant type: single nucleotide variant.
Coding change: c.3547A>T on transcript NM_017636.4 (MANE Select); coding-DNA position 3547, A replaced by T.
Protein change: p.Ser1183Cys; replaces serine 1183 with cysteine.
Molecular consequence: missense variant.
Genome position (GRCh38, 1-based): chr19:49,211,176, A>T. VCF-style: chr19-49211176-A-T. GRCh37 (hg19) VCF-style: chr19-49714433-A-T.
Other names: c.3112A>T, p.Ser1038Cys (NM_001195227.2); c.3202A>T, p.Ser1068Cys (NM_001321281.2); c.1939A>T, p.Ser647Cys (NM_001321282.2); c.3025A>T, p.Ser1009Cys (NM_001321283.2); c.2485A>T, p.Ser829Cys (NM_001321285.2); short protein forms S1009C, S1038C, S1068C, S1183C, S647C, S829C.
Identifiers: ClinVar variation 3227026 (VCV003227026.1), dbSNP rs377476693, ClinGen allele CA309421152.